The following is an entry in ClinVar:

NM_000548.5(TSC2):c.2487G>C (p.Lys829Asn)

Gene: TSC2 (TSC complex subunit 2; plus strand). Cytogenetic location: 16p13.3.
Variant type: single nucleotide variant.
Coding change: c.2487G>C on transcript NM_000548.5 (MANE Select); coding-DNA position 2487, G replaced by C.
Protein change: p.Lys829Asn; replaces lysine 829 with asparagine.
Molecular consequence: missense variant.
Genome position (GRCh38, 1-based): chr16:2,074,331, G>C. VCF-style: chr16-2074331-G-C. GRCh37 (hg19) VCF-style: chr16-2124332-G-C.
Other names: c.2487G>C, p.Lys829Asn (NM_001077183.3, NM_001114382.3, NM_001363528.2 and 3 more transcripts); c.2376G>C, p.Lys792Asn (NM_001318827.2); c.2340G>C, p.Lys780Asn (NM_001318829.2); c.1887G>C, p.Lys629Asn (NM_001318831.2); c.2520G>C, p.Lys840Asn (NM_001318832.2); short protein forms K629N, K780N, K792N, K829N, K840N.
Identifiers: ClinVar variation 1186986 (VCV001186986.4), dbSNP rs749431392, ClinGen allele CA394277751.
Genomic context (GRCh38, chr16:2,074,331, plus strand): 5'-CATCTGCAGCGTGGAGATGCCTGACATCATCATCAAGGCGCTGCCTGTTCTGGTGGTGAA[G>C]CTCACGCACATCTCAGCCACAGCCAGCATGGCCGTCCCACTGCTGGAGTTCCTGTCCAGT-3'
Protein context (NP_000539.2, residues 819-839): IIKALPVLVV[Lys829Asn]LTHISATASM

ClinVar aggregate classification (germline): Uncertain significance (1 of 4 stars; one submission).

Submission:

GeneDx
Classification: Uncertain significance. Last evaluated: 2021-12-10. Review status: criteria provided, single submitter. Criteria: GeneDx Variant Classification Process June 2021. Collection method: clinical testing. Allele origin: germline. Affected: yes.
Comment: Not observed in large population cohorts (Lek et al., 2016); In silico analysis supports that this missense variant does not alter protein structure/function; Has not been previously published as pathogenic or benign to our knowledge